The following is an entry in ClinVar:

NM_001927.4(DES):c.934G>A (p.Asp312Asn)

Gene: DES (desmin; plus strand). Cytogenetic location: 2q35.
Variant type: single nucleotide variant.
Coding change: c.934G>A on transcript NM_001927.4 (MANE Select); coding-DNA position 934, G replaced by A.
Protein change: p.Asp312Asn; replaces aspartic acid 312 with asparagine.
Molecular consequence: missense variant.
Genome position (GRCh38, 1-based): chr2:219,420,864, G>A. VCF-style: chr2-219420864-G-A. GRCh37 (hg19) VCF-style: chr2-220285586-G-A.
Other names: p.D312N:GAC>AAC; short protein forms D312N.
Identifiers: ClinVar variation 44274 (VCV000044274.81), dbSNP rs34337334, ClinGen allele CA133883.

ClinVar aggregate classification (germline): Conflicting classifications of pathogenicity. Review status: criteria provided, conflicting classifications (1 of 4 stars). 21 submissions from 19 submitters: Uncertain significance (18); Benign (1); Likely benign (1). 1 of the submissions does not count toward it. Last evaluated 2026-06-24.

Conditions:
Neurogenic scapuloperoneal syndrome, Kaeser type (SCPNK). Also called: KAESER SYNDROME. Identifiers: Orphanet 85146, MedGen C1867005, MONDO:0008407, OMIM 181400.
Desmin-related myofibrillar myopathy (MFM1). Also called: Desminopathy; Desmin related myopathy (former name); Desmin storage myopathy (former name); MYOFIBRILLAR MYOPATHY WITH ARRHYTHMOGENIC RIGHT VENTRICULAR CARDIOMYOPATHY; DESMIN-RELATED MYOPATHY WITH ARRHYTHMOGENIC RIGHT VENTRICULAR CARDIOMYOPATHY; Myofibrillar myopathy 1. Identifiers: Orphanet 363543, Orphanet 98909, MedGen C1832370, MONDO:0011076, OMIM 601419.
Dilated cardiomyopathy 1I (CMD1I). Identifiers: Orphanet 154, MedGen C1858154, MONDO:0011482, OMIM 604765.
Cardiovascular phenotype. Identifiers: MedGen CN230736.
Cardiomyopathy (CMYO). Also called: Cardiomyopathies. Identifiers: Orphanet 167848, MedGen C0878544, MONDO:0004994, HP:0001638. Inheritance: Various modes of inheritance.
Primary dilated cardiomyopathy (DCM). Also called: Dilated Cardiomyopathy. Identifiers: Orphanet 217604, MedGen C0007193, MeSH D002311, MONDO:0005021, HP:0001644. Inheritance: Various modes of inheritance.

Allele frequency attached by ClinVar (database versions not stated): gnomAD exomes 0.00005 and 0.00015; ExAC 0.00018; gnomAD 0.00051 and 0.00059; ESP Exome Variant Server 0.00054; TOPMed 0.00063; 1000 Genomes Project 30x 0.00094; 1000 Genomes Project 0.00120.
gnomAD v4.1: 169 of 1,613,694 alleles (0.01%); highest among the groups gnomAD compares: African/African-American, 0.17%; 1 homozygote.

Submissions 1 to 10 of 21:

Clinical Genetics Laboratory, Skane University Hospital Lund
Classification: Uncertain significance for Cardiomyopathy. Last evaluated: 2026-06-24. Review status: criteria provided, single submitter. Criteria: ACMG Guidelines, 2015. Collection method: clinical testing. Allele origin: germline. Affected: yes.
Comment: ACMG criteria used: BS2

GeneDx
Classification: Uncertain significance. Last evaluated: 2026-02-04. Review status: criteria provided, single submitter. Criteria: GeneDx Variant Classification Process June 2021. Collection method: clinical testing. Allele origin: germline. Affected: yes.
Comment: Reported in association with cardiomyopathy and identified in a patient with proximal muscle weakness (PMID: 24503780, 17325244, 34045587, 32403337, 37652022); Expression studies suggest this variant results in impairment of the desmin filament network; however, it is unclear how these studies may translate to a pathogenic role in vivo (PMID: 17325244); In silico analysis supports that this missense variant has a deleterious effect on protein structure/function; This variant is associated with the following publications: (PMID: 22337857, 27896284, 23299917, 29988065, 32403337, 34426522, 34045587, 24503780, 37652022, 17325244, 26807690)

Labcorp Genetics (formerly Invitae), Labcorp
Classification: Uncertain significance for Desmin-related myofibrillar myopathy. Last evaluated: 2026-01-19. Review status: criteria provided, single submitter. Criteria: Invitae Variant Classification Sherloc (09022015). Collection method: clinical testing. Allele origin: germline.
Comment: This sequence change replaces aspartic acid, which is acidic and polar, with asparagine, which is neutral and polar, at codon 312 of the DES protein (p.Asp312Asn). This variant is present in population databases (rs34337334, gnomAD 0.2%). This missense change has been observed in individual(s) with dilated cardiomyopathy (PMID: 17325244, 24503780, 34935411, 37652022). ClinVar contains an entry for this variant (Variation ID: 44274). Invitae Evidence Modeling of protein sequence and biophysical properties (such as structural, functional, and spatial information, amino acid conservation, physicochemical variation, residue mobility, and thermodynamic stability) has been performed for this missense variant. However, the output from this modeling did not meet the statistical confidence thresholds required to predict the impact of this variant on DES protein function. Experimental studies have shown that this missense change affects DES function (PMID: 17325244). In summary, the available evidence is currently insufficient to determine the role of this variant in disease. Therefore, it has been classified as a Variant of Uncertain Significance.

Mayo Clinic Laboratories, Mayo Clinic
Classification: Uncertain significance. Last evaluated: 2025-08-03. Review status: criteria provided, single submitter. Criteria: ACMG Guidelines, 2015. Collection method: clinical testing. Allele origin: germline. Observed: 3 variant alleles.
Comment: BS1

Molecular Diagnostic Laboratory for Inherited Cardiovascular Disease, Montreal Heart Institute
Classification: Uncertain significance for Cardiovascular phenotype. Last evaluated: 2025-04-09. Review status: criteria provided, single submitter. Criteria: ACMG Guidelines, 2015. Collection method: clinical testing. Allele origin: germline. Affected: yes.
Comment: PS3_supp;PS4_supp;PM1;PP3;BS1;BP5

Women's Health and Genetics/Laboratory Corporation of America, LabCorp
Classification: Uncertain significance. Last evaluated: 2025-03-31. Review status: criteria provided, single submitter. Criteria: LabCorp Variant Classification Summary - May 2015. Collection method: clinical testing. Allele origin: germline.
Comment: Variant summary: DES c.934G>A (p.Asp312Asn) results in a conservative amino acid change in the encoded protein sequence. Four of five in-silico tools predict a damaging effect of the variant on protein function. The variant allele was found at a frequency of 0.00015 in 251002 control chromosomes. This frequency is not significantly higher than estimated for a pathogenic variant in DES causing Autosomal Recessive Desminopathy (0.00015 vs 0.0025), allowing no conclusion about variant significance. c.934G>A has been reported in the literature in individuals affected with Dilated Cardiomyopathy or Neuromuscular Disorders (Taylor_2007, Gonzalez-Quereda_2020, Khan_2021, McGurk_2023). These reports do not provide unequivocal conclusions about association of the variant with Autosomal Recessive Desminopathy. At least one publication reports experimental evidence evaluating an impact on protein function and this variant affected the DES protein function (Taylor_2007). The following publications have been ascertained in the context of this evaluation (PMID: 23299917, 32403337, 34935411, 37652022, 17325244). ClinVar contains an entry for this variant (Variation ID: 44274). Based on the evidence outlined above, the variant was classified as uncertain significance.

CeGaT Center for Human Genetics Tuebingen
Classification: Uncertain significance. Last evaluated: 2025-03-01. Review status: criteria provided, single submitter. Criteria: CeGaT Center For Human Genetics Tuebingen Variant Classification Criteria Version 2. Collection method: clinical testing. Allele origin: germline. Affected: yes. Observed: 3 variant alleles.
Comment: DES: PP3

ARUP Laboratories, Molecular Genetics and Genomics, ARUP Laboratories
Classification: Uncertain significance. Last evaluated: 2024-03-01. Review status: criteria provided, single submitter. Criteria: ARUP Molecular Germline Variant Investigation Process 2024. Collection method: clinical testing. Allele origin: germline.
Comment: The DES c.934G>A; p.Asp312Asn variant (rs34337334) is reported in the literature in multiple individuals affected with dilated cardiomyopathy, as well as one individual with symptoms of a neuromuscular disorder, although it was not demonstrated to be disease-causing in these individuals (Gonzalez-Quereda 2020, McGurk 2023, Taylor 2007). This variant is found in the African population with an allele frequency of 0.19% (48/24,928 alleles) in the Genome Aggregation Database (v2.1.1). Computational analyses are uncertain whether this variant is neutral or deleterious (REVEL: 0.521). Functional studies have noted altered subcellular localization compared to wildtype DES protein when expressed in cultured cells, but the functional significance of this assay is unclear (Taylor 2007). Due to limited and conflicting information, the clinical significance of the p.Asp312Asn variant is uncertain at this time. References: Gonzalez-Quereda L et al. Targeted Next-Generation Sequencing in a Large Cohort of Genetically Undiagnosed Patients with Neuromuscular Disorders in Spain. Genes (Basel). 2020 May 11;11(5):539. PMID: 32403337. McGurk KA et al. The penetrance of rare variants in cardiomyopathy-associated genes: A cross-sectional approach to estimating penetrance for secondary findings. Am J Hum Genet. 2023 Sep 7;110(9):1482-1495. PMID: 37652022. Taylor MR et al. Prevalence of desmin mutations in dilated cardiomyopathy. Circulation. 2007 Mar 13;115(10):1244-51. PMID: 17325244.

Laboratory for Molecular Medicine, Mass General Brigham Personalized Medicine
Classification: Uncertain significance. Last evaluated: 2022-06-30. Review status: criteria provided, single submitter. Criteria: ACMG Guidelines, 2015. Collection method: clinical testing. Allele origin: germline.
Comment: However, this variant is present in 0.2% (7/4406) of African American chromosomes by the NHLBI Exome Sequencing Project (dbSNP rs34337334). Computational prediction tools and conservation analysis do not provide strong support for or against an impact to the protein. In summary, the clinical significance of the Asp312Asn variant is uncertain. ACMG/AMP criteria applied: BA1.

Ambry Genetics
Classification: Likely benign for Cardiovascular phenotype. Last evaluated: 2022-02-22. Review status: criteria provided, single submitter. Criteria: Ambry Variant Classification Scheme 2023. Collection method: clinical testing. Allele origin: germline.